The following is an entry in ClinVar:

ClinVar aggregate classification (germline): Benign. Review status: criteria provided, multiple submitters, no conflicts (2 of 4 stars). 3 submissions from 3 submitters: Benign (3). Last evaluated 2026-01-26.

Allele frequency attached by ClinVar (database versions not stated): gnomAD exomes 0.00050 and 0.00127; ExAC 0.00159; 1000 Genomes Project 30x 0.00437; TOPMed 0.00562; ESP Exome Variant Server 0.00569; 1000 Genomes Project 0.00459; gnomAD 0.00504 and 0.00542.
gnomAD v4.1: 1,524 of 1,612,450 alleles (0.095%); highest among the groups gnomAD compares: African/African-American, 1.6%; 7 homozygotes.

Submissions (3):

Labcorp Genetics (formerly Invitae), Labcorp
Classification: Benign. Last evaluated: 2026-01-26. Review status: criteria provided, single submitter. Criteria: Invitae Variant Classification Sherloc (09022015). Collection method: clinical testing. Allele origin: germline.

Mayo Clinic Laboratories, Mayo Clinic
Classification: Benign. Last evaluated: 2024-12-26. Review status: criteria provided, single submitter. Criteria: ACMG Guidelines, 2015. Collection method: clinical testing. Allele origin: germline. Observed: 2 variant alleles.
Comment: BS1, BS2, BP4, BP7

Breakthrough Genomics
Classification: Benign. Review status: criteria provided, single submitter. Criteria: ACMG Guidelines, 2015. Collection method: not provided. Allele origin: germline. Inheritance: Autosomal dominant inheritance. Affected: yes.

NM_145868.2(ANXA11):c.1458+4C>T

Gene: ANXA11 (annexin A11; minus strand). Cytogenetic location: 10q22.3.
Variant type: single nucleotide variant.
Coding change: c.1458+4C>T on transcript NM_145868.2 (MANE Select); 4 bases into the intron after coding-DNA position 1458, C replaced by T.
Molecular consequence: intron variant.
Genome position (GRCh38, 1-based): chr10:80,157,637, G>A on the plus strand (C>T on the coding strand, the complement: ANXA11 is on the minus strand). VCF-style: chr10-80157637-G-A. GRCh37 (hg19) VCF-style: chr10-81917393-G-A.
Other names: p.?; c.1458+4C>T (NM_001278407.2, NM_001157.3, NM_145869.2 and 1 more transcripts); c.1359+4C>T (NM_001278409.2).
Identifiers: ClinVar variation 1643018 (VCV001643018.10), dbSNP rs79950900, ClinGen allele CA5575762.
Genomic context (GRCh38, chr10:80,157,637, plus strand): 5'-GGGAGGTTCCACAGGTGACTGAGATGCCAAAAGGGAGCCCAGTTGGCCTGCAGCAGGCCC[G>A]TACCGAGATGTCGTGGTACAGCGACTTGCCGTACATCCGCTTATACTCTGATCTGATGTC-3'